The following is an entry in ClinVar:

ClinVar aggregate classification (germline): Uncertain significance (1 of 4 stars; one submission).

Conditions:
Maple syrup urine disease type 1B (MSUD1B). Also called: MSUD type IB; MSUD type 3 (formerly); MSUD due to deficiency of e1-beta subunit of branched-chain alpha-keto acid dehydrogenase complex. Identifiers: MedGen C2930990, MONDO:0023692, OMIM 620698.

Allele frequency attached by ClinVar (database versions not stated): gnomAD 0.00001; ExAC 0.00003.
gnomAD v4.1: 28 of 1,613,700 alleles (0.0017%); highest among the groups gnomAD compares: South Asian, 0.031%; no homozygotes.

Submission:

Diagnostics Services (NGS), CSIR - Centre For Cellular And Molecular Biology
Classification: Uncertain significance for Maple syrup urine disease type 1B. Last evaluated: 2024-03-19. Review status: criteria provided, single submitter. Criteria: ACMG Guidelines, 2015. Collection method: clinical testing. Allele origin: unknown. Affected: yes. Observed: 1 variant allele, 1 heterozygote.
Comment: The c.427G>A variant is not present in publicly available population databases like 1000 Genomes, EVS, Indian Exome Database or our in-house exome database. The variant is present in ExAC and gnomAD at a low frequency. This variant was not reported in the literature in individuals with BCKDHB-related conditions. In-silico pathogenicity prediction programs like PolyPhen-2, MutationTaster2, CADD, etc predicted the c.427G>A variant to be likely deleterious however these predictions were not confirmed by published functional studies. This variant is present in the mutational hotspot region of the gene.

NM_183050.4(BCKDHB):c.427G>A (p.Ala143Thr)

Gene: BCKDHB (branched chain keto acid dehydrogenase E1 subunit beta; plus strand). Cytogenetic location: 6q14.1.
Variant type: single nucleotide variant.
Coding change: c.427G>A on transcript NM_183050.4 (MANE Select); coding-DNA position 427, G replaced by A.
Protein change: p.Ala143Thr; replaces alanine 143 with threonine.
Molecular consequence: missense variant. On other transcripts: non-coding transcript variant (6).
Genome position (GRCh38, 1-based): chr6:80,167,761, G>A. VCF-style: chr6-80167761-G-A. GRCh37 (hg19) VCF-style: chr6-80877478-G-A.
Other names: c.427G>A, p.Ala143Thr (NM_000056.5, NM_001424035.1, NM_001424036.1 and 8 more transcripts); c.217G>A, p.Ala73Thr (NM_001318975.1, NM_001424043.1); short protein forms A143T, A73T.
Identifiers: ClinVar variation 3251993 (VCV003251993.1), dbSNP rs762398486.